The following is an entry in ClinVar:

NM_000354.6(SERPINA7):c.1188G>T (p.Leu396Phe)

Gene: SERPINA7 (serpin family A member 7; minus strand). Cytogenetic location: Xq22.3.
Variant type: single nucleotide variant.
Coding change: c.1188G>T on transcript NM_000354.6 (MANE Select); coding-DNA position 1188, G replaced by T.
Protein change: p.Leu396Phe; replaces leucine 396 with phenylalanine.
Molecular consequence: missense variant.
Genome position (GRCh38, 1-based): chrX:106,033,560, C>A on the plus strand (G>T on the coding strand, the complement: SERPINA7 is on the minus strand). VCF-style: chrX-106033560-C-A. GRCh37 (hg19) VCF-style: chrX-105277551-C-A.
Other names: short protein forms L396F.
Identifiers: ClinVar variation 391885 (VCV000391885.2), dbSNP rs1057524273, ClinGen allele CA16608237.

ClinVar aggregate classification (germline): Uncertain significance (1 of 4 stars; one submission).

Allele frequency attached by ClinVar (database versions not stated): gnomAD exomes below 0.00001; gnomAD 0.00001.
gnomAD v4.1: 2 of 1,209,222 alleles (0.00017%); highest among the groups gnomAD compares: African/African-American, 0.0035%; no homozygotes.

Submission:

GeneDx
Classification: Uncertain significance. Last evaluated: 2017-01-03. Review status: criteria provided, single submitter. Criteria: GeneDx Variant Classification (06012015). Collection method: clinical testing. Allele origin: germline. Affected: yes.
Comment: The L396F variant in the SERPINA7 gene has not been reported previously as a pathogenic variant, nor as a benign variant, to our knowledge. The L396F variant was not observed in approximately 6,500 individuals of European and African American ancestry in the NHLBI Exome Sequencing Project, indicating it is not a common benign variant in these populations. However, the L396F variant is a conservative amino acid substitution, which is not likely to impact secondary protein structure as these residues share similar properties. This substitution occurs at a position that is not conserved, and in silico analysis is inconsistent in its predictions as to whether or not the variant is damaging to the protein structure/function. We interpret L396F as a variant of uncertain significance.